The following is an entry in ClinVar:

NM_006922.4(SCN3A):c.397_405del (p.Leu133_Met135del)

Gene: SCN3A (sodium voltage-gated channel alpha subunit 3; minus strand). Cytogenetic location: 2q24.3.
Variant type: Deletion.
Coding change: c.397_405del on transcript NM_006922.4 (MANE Select); coding-DNA positions 397 to 405, 9 bases deleted (CTTATCATG; older notation c.397_405delCTTATCATG).
Protein change: p.Leu133_Met135del.
Molecular consequence: inframe deletion.
Genome position (GRCh38, 1-based): chr2:165,168,804-165,168,812, CATGATAAG deleted on the plus strand (CTTATCATG on the coding strand, the reverse complement: SCN3A is on the minus strand); deleting any 9 consecutive bases within chr2:165,168,804-165,168,816 gives the same sequence; the c. name uses the placement nearest the transcript's 3' end. VCF-style (leftmost placement, unchanged base first): chr2-165168803-ACATGATAAG-A. GRCh37 (hg19) VCF-style: chr2-166025313-ACATGATAAG-A.
Other names: c.397_405del, p.Leu133_Met135del (NM_001081676.2, NM_001081677.2).
Identifiers: ClinVar variation 5006110 (VCV005006110.2).
Genomic context (GRCh38, chr2:165,168,803, plus strand): 5'-TCTTTGTCCAGTCAGGAGGGTTGCTCAAGGTCATAAATACACAGTTGGTCAAAATAGTGC[ACATGATAAG>A]CATGCTGAATAAAGTAGATTATAGTTAAGGAATAAATGTTAGTAGGTTACCATGGCCATT-3'

ClinVar aggregate classification (germline): Uncertain significance (1 of 4 stars; one submission).

Conditions:
Developmental and epileptic encephalopathy, 62. Also called: Early infantile epileptic encephalopathy 62. Identifiers: MedGen C4693699, MONDO:0033371, OMIM 617938.
Epilepsy, familial focal, with variable foci 4 (FFEVF4). Identifiers: MedGen C4693694, MONDO:0054776, OMIM 617935.

Submission:

Juno Genomics, Hangzhou Juno Genomics, Inc
Classification: Uncertain significance for Developmental and epileptic encephalopathy, 62; Epilepsy, familial focal, with variable foci 4. Review status: criteria provided, single submitter. Criteria: ACMG Guidelines, 2015. Collection method: clinical testing. Allele origin: germline.
Comment: Protein length changes due to in-frame deletions/insertions in a non-repeat region or stop-loss variants.;Absent from controls (or at extremely low frequency if recessive) in Genome Aggregation Database.